The following is an entry in ClinVar:

ClinVar aggregate classification (germline): Likely benign (1 of 4 stars; one submission).

Allele frequency attached by ClinVar (database versions not stated): 1000 Genomes Project 0.00060; 1000 Genomes Project 30x 0.00078; ExAC 0.00106; TOPMed 0.00110; gnomAD 0.00123; ESP Exome Variant Server 0.00153.
gnomAD v4.1: 3,526 of 1,551,378 alleles (0.23%); highest among the groups gnomAD compares: Non-Finnish European, 0.29%; 5 homozygotes.

Submission:

CeGaT Center for Human Genetics Tuebingen
Classification: Likely benign. Last evaluated: 2022-10-01. Review status: criteria provided, single submitter. Criteria: CeGaT Center For Human Genetics Tuebingen Variant Classification Criteria Version 2. Collection method: clinical testing. Allele origin: germline. Affected: yes. Observed: 1 variant allele.
Comment: NACAD: BP4, BP7

NM_001146334.2(NACAD):c.918C>A (p.Ile306=)

Gene: NACAD (NAC alpha domain containing; minus strand). Cytogenetic location: 7p13.
Variant type: single nucleotide variant.
Coding change: c.918C>A on transcript NM_001146334.2 (MANE Select); coding-DNA position 918, C replaced by A.
Protein change: p.Ile306=; no amino-acid change (isoleucine 306 retained).
Molecular consequence: synonymous variant.
Genome position (GRCh38, 1-based): chr7:45,085,262, G>T on the plus strand (C>A on the coding strand, the complement: NACAD is on the minus strand). VCF-style: chr7-45085262-G-T. GRCh37 (hg19) VCF-style: chr7-45124861-G-T.
Identifiers: ClinVar variation 2657450 (VCV002657450.24), dbSNP rs373123243, ClinGen allele CA4247688.